The following is an entry in ClinVar:

ClinVar aggregate classification (germline): Likely pathogenic (1 of 4 stars; one submission).

Submission:

CeGaT Center for Human Genetics Tuebingen
Classification: Likely pathogenic. Last evaluated: 2024-04-01. Review status: criteria provided, single submitter. Criteria: CeGaT Center For Human Genetics Tuebingen Variant Classification Criteria Version 2. Collection method: clinical testing. Allele origin: germline. Affected: yes. Observed: 1 variant allele.
Comment: ALPL: PM1, PM2, PP3, PP4

NM_000478.6(ALPL):c.1322A>C (p.Tyr441Ser)

Gene: ALPL (alkaline phosphatase, biomineralization associated; plus strand). Cytogenetic location: 1p36.12.
Variant type: single nucleotide variant.
Coding change: c.1322A>C on transcript NM_000478.6 (MANE Select); coding-DNA position 1322, A replaced by C.
Protein change: p.Tyr441Ser; replaces tyrosine 441 with serine.
Molecular consequence: missense variant.
Genome position (GRCh38, 1-based): chr1:21,577,395, A>C. VCF-style: chr1-21577395-A-C. GRCh37 (hg19) VCF-style: chr1-21903888-A-C.
Other names: c.1157A>C, p.Tyr386Ser (NM_001127501.4); c.1091A>C, p.Tyr364Ser (NM_001177520.3); c.1322A>C, p.Tyr441Ser (NM_001369803.2, NM_001369804.2, NM_001369805.2); short protein forms Y364S, Y386S, Y441S.
Identifiers: ClinVar variation 3234675 (VCV003234675.20), dbSNP rs2545350150, ClinGen allele CA338881956.